The following is an entry in ClinVar:

ClinVar aggregate classification (germline): Uncertain significance. Review status: criteria provided, multiple submitters, no conflicts (2 of 4 stars). 2 submissions from 2 submitters: Uncertain significance (2). Last evaluated 2025-06-08.

Conditions:
Inborn genetic diseases. Identifiers: MedGen C0950123, MeSH D030342.

Allele frequency attached by ClinVar (database versions not stated): gnomAD exomes 0.00001.
gnomAD v4.1: 3 of 1,602,796 alleles (0.00019%); highest among the groups gnomAD compares: Non-Finnish European, 0.00025%; no homozygotes.

Submissions (2):

Ambry Genetics
Classification: Uncertain significance for Inborn genetic diseases. Last evaluated: 2025-06-08. Review status: criteria provided, single submitter. Criteria: Ambry Variant Classification Scheme 2023. Collection method: clinical testing. Allele origin: germline.

CeGaT Center for Human Genetics Tuebingen
Classification: Uncertain significance. Last evaluated: 2023-04-01. Review status: criteria provided, single submitter. Criteria: CeGaT Center For Human Genetics Tuebingen Variant Classification Criteria Version 2. Collection method: clinical testing. Allele origin: germline. Affected: yes. Observed: 1 variant allele.
Comment: ANKS6: PM2, BP4

NM_173551.5(ANKS6):c.1754C>A (p.Pro585His)

Gene: ANKS6 (ankyrin repeat and sterile alpha motif domain containing 6; minus strand). Cytogenetic location: 9q22.33.
Variant type: single nucleotide variant.
Coding change: c.1754C>A on transcript NM_173551.5 (MANE Select); coding-DNA position 1754, C replaced by A.
Protein change: p.Pro585His; replaces proline 585 with histidine.
Molecular consequence: missense variant.
Genome position (GRCh38, 1-based): chr9:98,773,944, G>T on the plus strand (C>A on the coding strand, the complement: ANKS6 is on the minus strand). VCF-style: chr9-98773944-G-T. GRCh37 (hg19) VCF-style: chr9-101536226-G-T.
Other names: c.1754C>A (NM_173551.3); short protein forms P585H.
Identifiers: ClinVar variation 2659347 (VCV002659347.24), dbSNP rs1833776888, ClinGen allele CA374215181.